The following is an entry in ClinVar:

NM_001875.5(CPS1):c.4101+2T>C

Gene: CPS1 (carbamoyl-phosphate synthase 1; plus strand). Cytogenetic location: 2q34.
Variant type: single nucleotide variant.
Coding change: c.4101+2T>C on transcript NM_001875.5 (MANE Select); the canonical splice donor site of the intron after coding-DNA position 4101, T replaced by C.
Molecular consequence: splice donor variant.
Genome position (GRCh38, 1-based): chr2:210,668,286, T>C. VCF-style: chr2-210668286-T-C. GRCh37 (hg19) VCF-style: chr2-211533010-T-C.
Other names: IVS34DS, T-C, +2; c.4134+2T>C (NM_001369256.1); c.4101+2T>C (NM_001369257.1, NM_001122633.3).
Identifiers: ClinVar variation 552974 (VCV000552974.14), dbSNP rs767575696, ClinGen allele CA2087173.

ClinVar aggregate classification (germline): Pathogenic/Likely pathogenic. Review status: criteria provided, multiple submitters, no conflicts (2 of 4 stars). 6 submissions from 6 submitters: Pathogenic (2); Likely pathogenic (2). 2 of the submissions do not count toward it. Last evaluated 2025-02-26.

Conditions:
Pulmonary hypertension, neonatal, susceptibility to (PHN). Identifiers: MedGen C3714958, MONDO:0014151, OMIM 615371.
Congenital hyperammonemia, type I. Also called: Carbamoyl-phosphate synthase I deficiency; Carbamoyl phosphate synthetase I deficiency disease; CPS I DEFICIENCY; Carbamoyl phosphate synthetase 1 deficiency; Hyperammonemia due to carbamoyl phosphate synthetase 1 deficiency; CPS 1 deficiency. Identifiers: Orphanet 147, MedGen C4082171, MONDO:0009376, OMIM 237300.

Allele frequency attached by ClinVar (database versions not stated): gnomAD exomes below 0.00001; TOPMed below 0.00001; ExAC 0.00001.
gnomAD v4.1: 1 of 1,608,240 alleles (0.000062%); highest among the groups gnomAD compares: Non-Finnish European, 0.000085%; no homozygotes.

Submissions (6):

Myriad Genetics, Inc.
Classification: Likely pathogenic for Congenital hyperammonemia, type I. Last evaluated: 2025-02-26. Review status: criteria provided, single submitter. Criteria: Myriad Autosomal Dominant, Autosomal Recessive and X-Linked Classification Criteria (2023). Collection method: clinical testing. Allele origin: unknown.
Comment: NM_001875.4(CPS1):c.4101+2T>C is a variant in a canonical splice site classified as likely pathogenic in the context of carbamoylphosphate synthetase I deficiency. c.4101+2T>C has been observed in a case with relevant disease (PMID: 12655559). Relevant functional assessments of this variant are available in the literature (PMID: 19793055). Internal structural analysis of the variant is supportive of pathogenicity. c.4101+2T>C has been observed in referenced population frequency databases. In summary, NM_001875.4(CPS1):c.4101+2T>C is a variant in a canonical splice site that has internal structural support for pathogenicity and has been observed more frequently in cases with the relevant disease than in healthy populations. Please note: this variant was assessed in the context of healthy population screening.

Labcorp Genetics (formerly Invitae), Labcorp
Classification: Pathogenic for Congenital hyperammonemia, type I. Last evaluated: 2023-08-22. Review status: criteria provided, single submitter. Criteria: Invitae Variant Classification Sherloc (09022015). Collection method: clinical testing. Allele origin: germline.
Comment: For these reasons, this variant has been classified as Pathogenic. Algorithms developed to predict the effect of sequence changes on RNA splicing suggest that this variant may disrupt the consensus splice site. ClinVar contains an entry for this variant (Variation ID: 552974). Disruption of this splice site has been observed in individual(s) with carbamoyl phosphate synthetase I deficiency (PMID: 15164414, 19793055). In at least one individual the data is consistent with being in trans (on the opposite chromosome) from a pathogenic variant. It has also been observed to segregate with disease in related individuals. This variant is present in population databases (rs767575696, gnomAD 0.0009%). This sequence change affects a donor splice site in intron 34 of the CPS1 gene. It is expected to disrupt RNA splicing. Variants that disrupt the donor or acceptor splice site typically lead to a loss of protein function (PMID: 16199547), and loss-of-function variants in CPS1 are known to be pathogenic (PMID: 21120950).

Baylor Genetics
Classification: Pathogenic for Pulmonary hypertension, neonatal, susceptibility to. Last evaluated: 2023-06-05. Review status: criteria provided, single submitter. Criteria: ACMG Guidelines, 2015. Collection method: clinical testing. Allele origin: unknown.

Women's Health and Genetics/Laboratory Corporation of America, LabCorp
Classification: Likely pathogenic for Carbamoyl-phosphate synthetase 1 deficiency. Last evaluated: 2020-01-19. Review status: criteria provided, single submitter. Criteria: LabCorp Variant Classification Summary - May 2015. Collection method: clinical testing. Allele origin: germline.
Comment: Variant summary: CPS1 c.4101+2T>C is located in a canonical splice-site and is predicted to affect mRNA splicing resulting in a significantly altered protein due to either exon skipping, shortening, or inclusion of intronic material. Several computational tools predict a significant impact on normal splicing: Four predict the variant abolishes a canonical 5' splicing donor site. However, these predictions have yet to be confirmed by functional studies. The variant allele was found at a frequency of 4e-06 in 251366 control chromosomes. c.4101+2T>C has been reported in the literature in at-least two individuals affected with Carbamoylphosphate Synthetase I Deficiency from one family and expressing variable clinical severity (example, Haberle_2004, Klaus_2009). These data indicate that the variant is likely to be associated with disease. To our knowledge, no experimental evidence demonstrating an impact on protein function has been reported. One clinical diagnostic laboratory has submitted clinical-significance assessments for this variant to ClinVar after 2014 without evidence for independent evaluation and classified the variant as likely pathogenic. Based on the evidence outlined above, the variant was classified as likely pathogenic.

Counsyl
Classification: Likely pathogenic for Congenital hyperammonemia, type I. Last evaluated: 2017-08-04. Review status: no assertion criteria provided. Collection method: clinical testing. Allele origin: unknown. Not counted in ClinVar's aggregate classification.

OMIM
Classification: Pathogenic for CARBAMOYL PHOSPHATE SYNTHETASE I DEFICIENCY. Last evaluated: 2009-09-01. Review status: no assertion criteria provided. Collection method: literature only. Allele origin: germline. Not counted in ClinVar's aggregate classification.

Literature cited by the submitters: PubMed 12655559 (cited by Myriad Genetics, Inc. and Counsyl); PubMed 19793055 (cited by 5 submitters); PubMed 15164414 (cited by Labcorp Genetics (formerly Invitae), Labcorp and Women's Health and Genetics/Laboratory Corporation of America, LabCorp); PubMed 16199547 (cited by Labcorp Genetics (formerly Invitae), Labcorp); PubMed 21120950 (cited by Labcorp Genetics (formerly Invitae), Labcorp); PubMed 20800523 (cited by Women's Health and Genetics/Laboratory Corporation of America, LabCorp).